The following is an entry in ClinVar:

ClinVar aggregate classification (germline): Likely benign. Review status: criteria provided, multiple submitters, no conflicts (2 of 4 stars). 4 submissions from 4 submitters: Likely benign (3). 1 of the submissions does not count toward it. Last evaluated 2024-11-22.

Conditions:
KIF5C-related disorder. Also called: KIF5C-related condition.

Allele frequency attached by ClinVar (database versions not stated): ExAC 0.00007; gnomAD exomes 0.00007 and 0.00023; ESP Exome Variant Server 0.00008; gnomAD 0.00009 and 0.00010; TOPMed 0.00011.
gnomAD v4.1: 339 of 1,597,492 alleles (0.021%); highest among the groups gnomAD compares: Middle Eastern, 0.083%; no homozygotes.

Submissions (4):

Blueprint Genetics
Classification: Likely benign. Last evaluated: 2024-11-22. Review status: criteria provided, single submitter. Criteria: ACMG Guidelines, 2015. Collection method: clinical testing. Allele origin: germline.

CeGaT Center for Human Genetics Tuebingen
Classification: Likely benign. Last evaluated: 2020-01-01. Review status: criteria provided, single submitter. Criteria: CeGaT Center For Human Genetics Tuebingen Variant Classification Criteria Version 2. Collection method: clinical testing. Allele origin: germline. Affected: yes. Observed: 1 variant allele.

Breakthrough Genomics
Classification: Likely benign. Review status: criteria provided, single submitter. Criteria: ACMG Guidelines, 2015. Collection method: not provided. Allele origin: germline. Inheritance: Autosomal dominant inheritance. Affected: yes.

PreventionGenetics, part of Exact Sciences
Classification: Likely benign for KIF5C-related condition. Last evaluated: 2020-05-26. Review status: no assertion criteria provided. Collection method: clinical testing. Allele origin: germline. Not counted in ClinVar's aggregate classification.
Comment: This variant is classified as likely benign based on ACMG/AMP sequence variant interpretation guidelines (Richards et al. 2015 PMID: 25741868, with internal and published modifications).

NM_004522.3(KIF5C):c.1320G>A (p.Gln440=)

Gene: KIF5C (kinesin family member 5C; plus strand). Cytogenetic location: 2q23.1.
Variant type: single nucleotide variant.
Coding change: c.1320G>A on transcript NM_004522.3 (MANE Select); coding-DNA position 1320, G replaced by A.
Protein change: p.Gln440=; no amino-acid change (glutamine 440 retained).
Molecular consequence: synonymous variant. On other transcripts: non-coding transcript variant (1).
Genome position (GRCh38, 1-based): chr2:148,978,948, G>A. VCF-style: chr2-148978948-G-A. GRCh37 (hg19) VCF-style: chr2-149835462-G-A.
Other names: c.1320G>A (NM_004522.2).
Identifiers: ClinVar variation 871538 (VCV000871538.44), dbSNP rs377714519, ClinGen allele CA1901428.